The following is an entry in ClinVar:

ClinVar aggregate classification (germline): Uncertain significance. Review status: criteria provided, multiple submitters, no conflicts (2 of 4 stars). 3 submissions from 3 submitters: Uncertain significance (3). Last evaluated 2025-06-19.

Allele frequency attached by ClinVar (database versions not stated): gnomAD exomes below 0.00001.
gnomAD v4.1: 3 of 1,587,198 alleles (0.00019%); highest among the groups gnomAD compares: Non-Finnish European, 0.00026%; no homozygotes.

Submissions (3):

Ambry Genetics
Classification: Uncertain significance. Last evaluated: 2025-06-19. Review status: criteria provided, single submitter. Criteria: Ambry Variant Classification Scheme 2023. Collection method: clinical testing. Allele origin: germline.
Comment: The p.S197I variant (also known as c.590G>T), located in coding exon 5 of the RECQL gene, results from a G to T substitution at nucleotide position 590. The serine at codon 197 is replaced by isoleucine, an amino acid with dissimilar properties. This amino acid position is highly conserved in available vertebrate species. In addition, this alteration is predicted to be deleterious by in silico analysis. Since supporting evidence is limited at this time, the clinical significance of this alteration remains unclear.

Labcorp Genetics (formerly Invitae), Labcorp
Classification: Uncertain significance. Last evaluated: 2025-03-21. Review status: criteria provided, single submitter. Criteria: Invitae Variant Classification Sherloc (09022015). Collection method: clinical testing. Allele origin: germline.
Comment: This sequence change replaces serine, which is neutral and polar, with isoleucine, which is neutral and non-polar, at codon 197 of the RECQL protein (p.Ser197Ile). This variant is not present in population databases (gnomAD no frequency). This variant has not been reported in the literature in individuals affected with RECQL-related conditions. ClinVar contains an entry for this variant (Variation ID: 1313590). An algorithm developed to predict the effect of missense changes on protein structure and function (PolyPhen-2) suggests that this variant is likely to be disruptive. In summary, the available evidence is currently insufficient to determine the role of this variant in disease. Therefore, it has been classified as a Variant of Uncertain Significance.

GeneDx
Classification: Uncertain significance. Last evaluated: 2020-10-21. Review status: criteria provided, single submitter. Criteria: GeneDx Variant Classification Process June 2021. Collection method: clinical testing. Allele origin: germline. Affected: yes.
Comment: Not observed in large population cohorts (Lek 2016); In silico analysis supports that this missense variant has a deleterious effect on protein structure/function; Has not been previously published as pathogenic or benign to our knowledge

NM_002907.4(RECQL):c.590G>T (p.Ser197Ile)

Gene: RECQL (RecQ like helicase; minus strand). Cytogenetic location: 12p12.1.
Variant type: single nucleotide variant.
Coding change: c.590G>T on transcript NM_002907.4 (MANE Select); coding-DNA position 590, G replaced by T.
Protein change: p.Ser197Ile; replaces serine 197 with isoleucine.
Molecular consequence: missense variant.
Genome position (GRCh38, 1-based): chr12:21,483,486, C>A on the plus strand (G>T on the coding strand, the complement: RECQL is on the minus strand). VCF-style: chr12-21483486-C-A. GRCh37 (hg19) VCF-style: chr12-21636420-C-A.
Other names: c.590G>T, p.Ser197Ile (NM_032941.3); short protein forms S197I.
Identifiers: ClinVar variation 1313590 (VCV001313590.6), dbSNP rs2137374344, ClinGen allele CA384127354.